The following is an entry in ClinVar:

ClinVar aggregate classification (germline): Likely benign (1 of 4 stars; one submission).

Allele frequency attached by ClinVar (database versions not stated): ExAC 0.00051; gnomAD 0.00052; TOPMed 0.00055; ESP Exome Variant Server 0.00078; gnomAD exomes 0.00083.
gnomAD v4.1: 1,323 of 1,614,132 alleles (0.082%); highest among the groups gnomAD compares: Non-Finnish European, 0.1%; no homozygotes.

Submissions (2):

CeGaT Center for Human Genetics Tuebingen
Classification: Likely benign. Last evaluated: 2024-05-01. Review status: criteria provided, single submitter. Criteria: CeGaT Center For Human Genetics Tuebingen Variant Classification Criteria Version 2. Collection method: clinical testing. Allele origin: germline. Affected: yes. Observed: 1 variant allele.
Comment: THSD4: BP4, BP7

Dr. Peter K. Rogan Lab, Western University
No classification provided (evidence only). Condition: Gastric cancer. Review status: no classification provided. Collection method: in vitro. Allele origin: not applicable. Functional consequence: retained intron. Not counted in ClinVar's aggregate classification.

NM_024817.3(THSD4):c.2259C>T (p.Gly753=)

Gene: THSD4 (thrombospondin type 1 domain containing 4; plus strand). Cytogenetic location: 15q23.
Variant type: single nucleotide variant.
Coding change: c.2259C>T on transcript NM_024817.3 (MANE Select); coding-DNA position 2259, C replaced by T.
Protein change: p.Gly753=; no amino-acid change (glycine 753 retained).
Molecular consequence: synonymous variant.
Genome position (GRCh38, 1-based): chr15:71,748,438, C>T. VCF-style: chr15-71748438-C-T. GRCh37 (hg19) VCF-style: chr15-72040777-C-T.
Other names: NC_000015.9:g.72040777C>T; c.1179C>T, p.Gly393= (NM_001286429.2); c.2259C>T, p.Gly753= (NM_001394532.1).
Identifiers: ClinVar variation 3239211 (VCV003239211.20), dbSNP rs201915441.